The following is an entry in ClinVar:

NM_133497.4(KCNV2):c.1132G>A (p.Val378Ile)

Gene: KCNV2 (potassium voltage-gated channel modifier subfamily V member 2; plus strand). Cytogenetic location: 9p24.2.
Variant type: single nucleotide variant.
Coding change: c.1132G>A on transcript NM_133497.4 (MANE Select); coding-DNA position 1132, G replaced by A.
Protein change: p.Val378Ile; replaces valine 378 with isoleucine.
Molecular consequence: missense variant.
Genome position (GRCh38, 1-based): chr9:2,718,871, G>A. VCF-style: chr9-2718871-G-A. GRCh37 (hg19) VCF-style: chr9-2718871-G-A.
Other names: short protein forms V378I.
Identifiers: ClinVar variation 1405894 (VCV001405894.6), dbSNP rs752928296, ClinGen allele CA187974014.

ClinVar aggregate classification (germline): Uncertain significance. Review status: criteria provided, multiple submitters, no conflicts (2 of 4 stars). 2 submissions from 2 submitters: Uncertain significance (2). Last evaluated 2024-11-05.

gnomAD v4.1: 13 of 1,608,864 alleles (0.00081%); highest among the groups gnomAD compares: African/African-American, 0.0053%; no homozygotes.

Submissions (2):

Labcorp Genetics (formerly Invitae), Labcorp
Classification: Uncertain significance. Last evaluated: 2024-11-05. Review status: criteria provided, single submitter. Criteria: Invitae Variant Classification Sherloc (09022015). Collection method: clinical testing. Allele origin: germline.
Comment: This sequence change replaces valine, which is neutral and non-polar, with isoleucine, which is neutral and non-polar, at codon 378 of the KCNV2 protein (p.Val378Ile). This variant is present in population databases (rs752928296, gnomAD 0.007%). This missense change has been observed in individual(s) with KCNV2-related conditions (PMID: 22264887). ClinVar contains an entry for this variant (Variation ID: 1405894). Invitae Evidence Modeling of protein sequence and biophysical properties (such as structural, functional, and spatial information, amino acid conservation, physicochemical variation, residue mobility, and thermodynamic stability) indicates that this missense variant is not expected to disrupt KCNV2 protein function with a negative predictive value of 95%. In summary, the available evidence is currently insufficient to determine the role of this variant in disease. Therefore, it has been classified as a Variant of Uncertain Significance.

Blueprint Genetics
Classification: Uncertain significance. Last evaluated: 2022-06-24. Review status: criteria provided, single submitter. Criteria: ACMG Guidelines, 2015. Collection method: clinical testing. Allele origin: germline.

Literature cited by the submitters: PubMed 22264887 (cited by Labcorp Genetics (formerly Invitae), Labcorp).